The following is an entry in ClinVar:

ClinVar aggregate classification (germline): Uncertain significance. Review status: criteria provided, multiple submitters, no conflicts (2 of 4 stars). 2 submissions from 2 submitters: Uncertain significance (2). Last evaluated 2023-08-07.

Conditions:
Cardiovascular phenotype. Identifiers: MedGen CN230736.

Allele frequency attached by ClinVar (database versions not stated): gnomAD 0.00001; TOPMed 0.00001.

Submissions (2):

Women's Health and Genetics/Laboratory Corporation of America, LabCorp
Classification: Uncertain significance. Last evaluated: 2023-08-07. Review status: criteria provided, single submitter. Criteria: LabCorp Variant Classification Summary - May 2015. Collection method: clinical testing. Allele origin: germline.

Ambry Genetics
Classification: Uncertain significance for Cardiovascular phenotype. Last evaluated: 2021-06-14. Review status: criteria provided, single submitter. Criteria: Ambry Variant Classification Scheme 2023. Collection method: clinical testing. Allele origin: germline.
Comment: The p.G212E variant (also known as c.635G>A), located in coding exon 5 of the ABCG8 gene, results from a G to A substitution at nucleotide position 635. The glycine at codon 212 is replaced by glutamic acid, an amino acid with similar properties. This amino acid position is conserved. In addition, the in silico prediction for this alteration is inconclusive. Since supporting evidence is limited at this time, the clinical significance of this alteration remains unclear.

NM_022437.3(ABCG8):c.635G>A (p.Gly212Glu)

Gene: ABCG8 (ATP binding cassette subfamily G member 8; plus strand). Cytogenetic location: 2p21.
Variant type: single nucleotide variant.
Coding change: c.635G>A on transcript NM_022437.3 (MANE Select); coding-DNA position 635, G replaced by A.
Protein change: p.Gly212Glu; replaces glycine 212 with glutamic acid.
Molecular consequence: missense variant.
Genome position (GRCh38, 1-based): chr2:43,852,427, G>A. VCF-style: chr2-43852427-G-A. GRCh37 (hg19) VCF-style: chr2-44079566-G-A.
Other names: c.635G>A, p.Gly212Glu (NM_001357321.2); short protein forms G212E.
Identifiers: ClinVar variation 1753047 (VCV001753047.3), dbSNP rs1318623110, ClinGen allele CA346666069.
Genomic context (GRCh38, chr2:43,852,427, plus strand): 5'-TCGCGGAGCTGCGGCTTAGGCAGTGCGCTGACACCCGCGTGGGCAACATGTACGTGCGGG[G>A]GTTGTCGGGGGGTGAGCGCAGGAGAGTCAGCATTGGGGTGCAGCTCCTGTGGAACCCAGG-3'
Protein context (NP_071882.1, residues 202-222): DTRVGNMYVR[Gly212Glu]LSGGERRRVS